The following is an entry in ClinVar:

NM_004360.5(CDH1):c.1031_1032dup (p.Val345fs)

Gene: CDH1 (cadherin 1; plus strand). Cytogenetic location: 16q22.1.
Variant type: Duplication.
Coding change: c.1031_1032dup on transcript NM_004360.5 (MANE Select); coding-DNA positions 1031 to 1032, 2 bases duplicated (TG; older notation c.1031_1032dupTG).
Protein change: p.Val345fs; shifts the reading frame from valine 345.
Molecular consequence: frameshift variant. On other transcripts: 5 prime UTR variant (2).
Genome position (GRCh38, 1-based): chr16:68,812,157-68,812,158, TG duplicated; duplicating any 2 consecutive bases within chr16:68,812,156-68,812,158 gives the same sequence; the c. name uses the placement nearest the transcript's 3' end. VCF-style (leftmost placement, unchanged base first): chr16-68812155-G-GGT. GRCh37 (hg19) VCF-style: chr16-68846058-G-GGT.
Other names: c.1031_1032dup (LRG_301t1); c.1031_1032dupTG (NM_004360.3); c.1031_1032dup, p.Val345fs (NM_001317184.2); c.-585_-584dup (NM_001317185.2); c.-789_-788dup (NM_001317186.2); short protein forms V345fs.
Identifiers: ClinVar variation 449922 (VCV000449922.3), dbSNP rs1555515721, ClinGen allele CA658658485.

ClinVar aggregate classification (germline): Pathogenic. Review status: reviewed by expert panel (3 of 4 stars). 2 submissions from 2 submitters: Pathogenic (1). 1 of the submissions does not count toward it. Last evaluated 2023-08-04.

Conditions:
CDH1-related diffuse gastric and lobular breast cancer syndrome. Also called: CDH1-related diffuse gastric and lobular breast cancer. Identifiers: MedGen CN311521, MONDO:0100488.

Submissions (2):

Clingen Gastric Cancer Variant Curation Expert Panel
Classification: Pathogenic for CDH1-related diffuse gastric and lobular breast cancer syndrome. Last evaluated: 2023-08-04. Review status: reviewed by expert panel. Criteria: ClinGen CDH1 ACMG Specifications V3.1. Collection method: curation. Allele origin: germline. Inheritance: Autosomal dominant inheritance.
Comment: The c.1031_1032dupTG p.(Val345fs) variant is predicted to result in a premature stop codon that leads to nonsense mediate decay (PVS1 and PM5_supporting). The variant is absent in the gnomAD cohort (PM2_supporting). Therefore, this variant meets criteria to be classified as pathogenic based on the ACMG/AMP criteria applied as specified by the CDH1 Variant Curation Expert Panel (CDH1 VCEP specifications version 3.1): PVS1, PM2_supporting, PM5_supporting.

GeneDx
Classification: Likely pathogenic. Last evaluated: 2017-10-18. Review status: criteria provided, single submitter. Criteria: GeneDx Variant Classification (06012015). Collection method: clinical testing. Allele origin: germline. Affected: yes. Not counted in ClinVar's aggregate classification.
Comment: This duplication of two nucleotides in CDH1 is denoted c.1031_1032dupTG at the cDNA level and p.Val345TrpfsX12 (V345WfsX12) at the protein level. The normal sequence, with the bases that are duplicated in brackets, is CTGG[dupTG]GTTC. The duplication causes a frameshift which changes a Valine to a Tryptophan at codon 345, and creates a premature stop codon at position 12 of the new reading frame. Although this variant has not, to our knowledge, been reported in the literature, it is predicted to cause loss of normal protein function through either protein truncation or nonsense-mediated mRNA decay. Based on the currently available information, we consider this duplication to be a likely pathogenic variant.